The following is an entry in ClinVar:

ClinVar aggregate classification (germline): Uncertain significance (1 of 4 stars; one submission).

Submission:

GeneDx
Classification: Uncertain significance. Last evaluated: 2020-10-27. Review status: criteria provided, single submitter. Criteria: GeneDx Variant Classification Process June 2021. Collection method: clinical testing. Allele origin: germline. Affected: yes.
Comment: Not observed in large population cohorts (Lek et al., 2016); Normal stop codon changed to a Tryptophan codon, leading to the addition of 63 amino acids at the C-terminus; Has not been previously published as pathogenic or benign to our knowledge

NM_001386298.1(CIC):c.7554A>G (p.Ter2518Trp)

Gene: CIC (capicua transcriptional repressor; plus strand). Cytogenetic location: 19q13.2.
Variant type: single nucleotide variant.
Coding change: c.7554A>G on transcript NM_001386298.1 (MANE Select); coding-DNA position 7554, A replaced by G.
Protein change: p.Ter2518Trp.
Molecular consequence: stop lost.
Genome position (GRCh38, 1-based): chr19:42,295,191, A>G. VCF-style: chr19-42295191-A-G. GRCh37 (hg19) VCF-style: chr19-42799343-A-G.
Other names: c.7554A>G, p.Ter2518Trp (NM_001304815.2); c.7551A>G, p.Ter2517Trp (NM_001379480.1, NM_001379482.1); c.4821A>G, p.Ter1607Trp (NM_001379484.1); c.4818A>G, p.Ter1606Trp (NM_001379485.1); c.4827A>G, p.Ter1609Trp (NM_015125.5).
Identifiers: ClinVar variation 1304310 (VCV001304310.2), dbSNP rs2147362850, ClinGen allele CA406125801.